The following is an entry in ClinVar:

NM_004168.4(SDHA):c.1664-2A>G

Gene: SDHA (succinate dehydrogenase complex flavoprotein subunit A; plus strand). Cytogenetic location: 5p15.33.
Variant type: single nucleotide variant.
Coding change: c.1664-2A>G on transcript NM_004168.4 (MANE Select); the canonical splice acceptor site of the intron before coding-DNA position 1664, A replaced by G.
Molecular consequence: splice acceptor variant. On other transcripts: intron variant (1).
Genome position (GRCh38, 1-based): chr5:251,336, A>G. VCF-style: chr5-251336-A-G. GRCh37 (hg19) VCF-style: chr5-251451-A-G.
Other names: c.1552-3057A>G (NM_001330758.2); c.1520-2A>G (NM_001294332.2).
Identifiers: ClinVar variation 1068401 (VCV001068401.12), dbSNP rs2126633124, ClinGen allele CA358999808.

ClinVar aggregate classification (germline): Likely pathogenic. Review status: criteria provided, multiple submitters, no conflicts (2 of 4 stars). 3 submissions from 3 submitters: Likely pathogenic (3). Last evaluated 2026-04-01.

Conditions:
Pheochromocytoma/paraganglioma syndrome 5. Also called: Paragangliomas 5; SDHA-Related Hereditary Paraganglioma-Pheochromocytoma Syndrome. Identifiers: Orphanet 29072, MedGen C3279992, MONDO:0013602, OMIM 614165.
Hereditary cancer-predisposing syndrome. Also called: Tumor predisposition; Hereditary neoplastic syndrome; Neoplastic Syndromes, Hereditary; Hereditary Cancer Syndrome. Identifiers: Orphanet 140162, MedGen C0027672, MeSH D009386, MONDO:0015356.
Mitochondrial complex II deficiency, nuclear type 1. Also called: SUCCINATE CoQ REDUCTASE DEFICIENCY. Identifiers: Orphanet 3208, MedGen C5700310, MONDO:0100294, OMIM 252011.

Submissions (3):

Myriad Genetics, Inc.
Classification: Likely pathogenic for Pheochromocytoma/paraganglioma syndrome 5. Last evaluated: 2026-04-01. Review status: criteria provided, single submitter. Criteria: Myriad Autosomal Dominant, Autosomal Recessive and X-Linked Classification Criteria (2023). Collection method: clinical testing. Allele origin: unknown.
Comment: This variant is considered likely pathogenic. This variant occurs within a consensus splice junction and is predicted to result in abnormal mRNA splicing of either an out-of-frame exon or an in-frame exon necessary for protein stability and/or normal function.

Labcorp Genetics (formerly Invitae), Labcorp
Classification: Likely pathogenic for Pheochromocytoma/paraganglioma syndrome 5; Mitochondrial complex II deficiency, nuclear type 1. Last evaluated: 2025-08-24. Review status: criteria provided, single submitter. Criteria: Invitae Variant Classification Sherloc (09022015). Collection method: clinical testing. Allele origin: germline.
Comment: This sequence change affects an acceptor splice site in intron 12 of the SDHA gene. It is expected to disrupt RNA splicing. Variants that disrupt the donor or acceptor splice site typically lead to a loss of protein function (PMID: 16199547), and loss-of-function variants in SDHA are known to be pathogenic (PMID: 22974104, 24781757). This variant is not present in population databases (gnomAD no frequency). This variant has not been reported in the literature in individuals affected with SDHA-related conditions. ClinVar contains an entry for this variant (Variation ID: 1068401). Studies have shown that disruption of this splice site is associated with inconclusive levels of altered splicing (internal data). In summary, the currently available evidence indicates that the variant is pathogenic, but additional data are needed to prove that conclusively. Therefore, this variant has been classified as Likely Pathogenic.

Ambry Genetics
Classification: Likely pathogenic for Hereditary cancer-predisposing syndrome. Last evaluated: 2025-02-06. Review status: criteria provided, single submitter. Criteria: Ambry Variant Classification Scheme 2023. Collection method: clinical testing. Allele origin: germline.
Comment: The c.1664-2A>G intronic variant results from an A to G substitution two nucleotides upstream from coding exon 13 in the SDHA gene. This variant is considered to be rare based on population cohorts in the Genome Aggregation Database (gnomAD). This nucleotide position is highly conserved in available vertebrate species. In silico splice site analysis predicts that this alteration will weaken the native splice acceptor site. RNA studies have demonstrated that this alteration results in abnormal splicing in the set of samples tested (Ambry internal data). Based on the majority of available evidence to date, this variant is likely to be pathogenic.

Literature cited by the submitters: PubMed 16199547 (cited by Labcorp Genetics (formerly Invitae), Labcorp); PubMed 22974104 (cited by Labcorp Genetics (formerly Invitae), Labcorp); PubMed 24781757 (cited by Labcorp Genetics (formerly Invitae), Labcorp).